The following is an entry in ClinVar:

NM_013254.4(TBK1):c.385A>T (p.Asn129Tyr)

Gene: TBK1 (TANK binding kinase 1; plus strand). Cytogenetic location: 12q14.2.
Variant type: single nucleotide variant.
Coding change: c.385A>T on transcript NM_013254.4 (MANE Select); coding-DNA position 385, A replaced by T.
Protein change: p.Asn129Tyr; replaces asparagine 129 with tyrosine.
Molecular consequence: missense variant.
Genome position (GRCh38, 1-based): chr12:64,466,927, A>T. VCF-style: chr12-64466927-A-T. GRCh37 (hg19) VCF-style: chr12-64860707-A-T.
Other names: short protein forms N129Y.
Identifiers: ClinVar variation 2144951 (VCV002144951.4), dbSNP rs1445634153, ClinGen allele CA385595857.

ClinVar aggregate classification (germline): Uncertain significance (1 of 4 stars; one submission).

Conditions:
Frontotemporal dementia and/or amyotrophic lateral sclerosis 4. Also called: FTDALS4. Identifiers: Orphanet 275872, MedGen C4225325, MONDO:0014641, OMIM 616439.

Allele frequency attached by ClinVar (database versions not stated): gnomAD exomes below 0.00001.
gnomAD v4.1: 2 of 1,602,906 alleles (0.00012%); highest among the groups gnomAD compares: Non-Finnish European, 0.00017%; no homozygotes.

Submission:

Labcorp Genetics (formerly Invitae), Labcorp
Classification: Uncertain significance for Frontotemporal dementia and/or amyotrophic lateral sclerosis 4. Last evaluated: 2022-08-20. Review status: criteria provided, single submitter. Criteria: Invitae Variant Classification Sherloc (09022015). Collection method: clinical testing. Allele origin: germline.
Comment: In summary, the available evidence is currently insufficient to determine the role of this variant in disease. Therefore, it has been classified as a Variant of Uncertain Significance. Advanced modeling of protein sequence and biophysical properties (such as structural, functional, and spatial information, amino acid conservation, physicochemical variation, residue mobility, and thermodynamic stability) performed at Invitae indicates that this missense variant is not expected to disrupt TBK1 protein function. This variant has not been reported in the literature in individuals affected with TBK1-related conditions. This variant is not present in population databases (gnomAD no frequency). This sequence change replaces asparagine, which is neutral and polar, with tyrosine, which is neutral and polar, at codon 129 of the TBK1 protein (p.Asn129Tyr).